The following is an entry in ClinVar:

NM_016653.3(MAP3K20):c.326C>T (p.Thr109Ile)

Gene: MAP3K20 (mitogen-activated protein kinase kinase kinase 20; plus strand). Cytogenetic location: 2q31.1.
Variant type: single nucleotide variant.
Coding change: c.326C>T on transcript NM_016653.3 (MANE Select); coding-DNA position 326, C replaced by T.
Protein change: p.Thr109Ile; replaces threonine 109 with isoleucine.
Molecular consequence: missense variant.
Genome position (GRCh38, 1-based): chr2:173,182,932, C>T. VCF-style: chr2-173182932-C-T. GRCh37 (hg19) VCF-style: chr2-174047660-C-T.
Other names: c.326C>T, p.Thr109Ile (NM_133646.3); short protein forms T109I.
Identifiers: ClinVar variation 1492925 (VCV001492925.3), dbSNP rs772127467, ClinGen allele CA1970351.
Genomic context (GRCh38, chr2:173,182,932, plus strand): 5'-CACTCTATGATTACATTAACAGTAACAGAAGTGAGGAGATGGATATGGATCACATTATGA[C>T]CTGGGCCACTGATGTAGCCAAAGGTAATAATATTTGGTATATTCTTATAGAATTAGTGGG-3'
Protein context (NP_057737.2, residues 99-119): SEEMDMDHIM[Thr109Ile]WATDVAKGMH

ClinVar aggregate classification (germline): Uncertain significance (1 of 4 stars; one submission).

Allele frequency attached by ClinVar (database versions not stated): gnomAD exomes below 0.00001 and 0.00002; ExAC 0.00001; TOPMed 0.00001.
gnomAD v4.1: 5 of 1,609,892 alleles (0.00031%); highest among the groups gnomAD compares: Admixed American, 0.0067%; no homozygotes.

Submission:

Labcorp Genetics (formerly Invitae), Labcorp
Classification: Uncertain significance. Last evaluated: 2022-08-10. Review status: criteria provided, single submitter. Criteria: Invitae Variant Classification Sherloc (09022015). Collection method: clinical testing. Allele origin: germline.
Comment: This sequence change replaces threonine, which is neutral and polar, with isoleucine, which is neutral and non-polar, at codon 109 of the MAP3K20 protein (p.Thr109Ile). This variant is present in population databases (rs772127467, gnomAD 0.009%). This variant has not been reported in the literature in individuals affected with MAP3K20-related conditions. ClinVar contains an entry for this variant (Variation ID: 1492925). Experimental studies and prediction algorithms are not available or were not evaluated, and the functional significance of this variant is currently unknown. In summary, the available evidence is currently insufficient to determine the role of this variant in disease. Therefore, it has been classified as a Variant of Uncertain Significance.